The following is an entry in ClinVar:

ClinVar aggregate classification (germline): Uncertain significance. Review status: criteria provided, multiple submitters, no conflicts (2 of 4 stars). 2 submissions from 2 submitters: Uncertain significance (2). Last evaluated 2026-06-11.

Conditions:
Norman-Roberts syndrome (LIS2). Also called: Lissencephaly 2 (Norman-Roberts type). Identifiers: Orphanet 89844, MedGen C0796089, MONDO:0009760, OMIM 257320.
Familial temporal lobe epilepsy 7. Identifiers: Orphanet 101046, MedGen C4225327, MONDO:0014639, OMIM 616436.

gnomAD v4.1: 1 of 1,613,740 alleles (0.000062%); no homozygotes.

Submissions (2):

Women's Health and Genetics/Laboratory Corporation of America, LabCorp
Classification: Uncertain significance. Last evaluated: 2026-06-11. Review status: criteria provided, single submitter. Criteria: LabCorp Variant Classification Summary - May 2015. Collection method: clinical testing. Allele origin: germline.
Comment: Variant summary: RELN c.5477G>A (p.Gly1826Glu) results in a non-conservative amino acid change in the encoded protein sequence. Algorithms developed to predict the effect of missense changes on protein structure and function are either unavailable or do not agree on the potential impact of this missense change. The variant was absent in 251288 control chromosomes. The available data on variant occurrences in the general population are insufficient to allow any conclusion about variant significance. To our knowledge, no occurrence of c.5477G>A in individuals affected with RELN-related conditions and no experimental evidence demonstrating its impact on protein function have been reported. ClinVar contains an entry for this variant (Variation ID: 2922341). Based on the evidence outlined above, the variant was classified as uncertain significance.

Labcorp Genetics (formerly Invitae), Labcorp
Classification: Uncertain significance for Familial temporal lobe epilepsy 7; Norman-Roberts syndrome. Last evaluated: 2024-01-21. Review status: criteria provided, single submitter. Criteria: Invitae Variant Classification Sherloc (09022015). Collection method: clinical testing. Allele origin: germline.
Comment: This sequence change replaces glycine, which is neutral and non-polar, with glutamic acid, which is acidic and polar, at codon 1826 of the RELN protein (p.Gly1826Glu). This variant is not present in population databases (gnomAD no frequency). This variant has not been reported in the literature in individuals affected with RELN-related conditions. Advanced modeling of protein sequence and biophysical properties (such as structural, functional, and spatial information, amino acid conservation, physicochemical variation, residue mobility, and thermodynamic stability) performed at Invitae indicates that this missense variant is not expected to disrupt RELN protein function with a negative predictive value of 80%. In summary, the available evidence is currently insufficient to determine the role of this variant in disease. Therefore, it has been classified as a Variant of Uncertain Significance.

NM_005045.4(RELN):c.5477G>A (p.Gly1826Glu)

Gene: RELN (reelin; minus strand). Cytogenetic location: 7q22.1.
Variant type: single nucleotide variant.
Coding change: c.5477G>A on transcript NM_005045.4 (MANE Select); coding-DNA position 5477, G replaced by A.
Protein change: p.Gly1826Glu; replaces glycine 1826 with glutamic acid.
Molecular consequence: missense variant.
Genome position (GRCh38, 1-based): chr7:103,561,584, C>T on the plus strand (G>A on the coding strand, the complement: RELN is on the minus strand). VCF-style: chr7-103561584-C-T. GRCh37 (hg19) VCF-style: chr7-103202031-C-T.
Other names: c.5477G>A, p.Gly1826Glu (NM_173054.3); short protein forms G1826E.
Identifiers: ClinVar variation 2922341 (VCV002922341.4), dbSNP rs2484733794, ClinGen allele CA368743572.